The following is an entry in ClinVar:

ClinVar aggregate classification (germline): Likely pathogenic. Review status: criteria provided, multiple submitters, no conflicts (2 of 4 stars). 2 submissions from 2 submitters: Likely pathogenic (2). Last evaluated 2025-09-29.

Conditions:
Bardet-Biedl syndrome 2 (BBS2). Identifiers: Orphanet 110, MedGen C2936863, MONDO:0014432, OMIM 615981.

gnomAD v4.1: 1 of 1,614,176 alleles (0.000062%); highest among the groups gnomAD compares: Non-Finnish European, 0.000085%; no homozygotes.

Submissions (2):

Natera, Inc.
Classification: Likely pathogenic for Bardet-Biedl syndrome type 2. Last evaluated: 2025-09-29. Review status: criteria provided, single submitter. Criteria: Natera Variant Classification Schema (03/2026). Collection method: clinical testing. Allele origin: germline.
Comment: The c.1163C>G variant in BBS2 is a nonsense variant predicted to introduce a stop codon at amino acid 388. This variant is expected to result in nonsense mediated decay, truncation, or a dysfunctional protein product. This variant is rare in the general population with a frequency below the threshold expected for the associated phenotype(s). Given the available evidence, this variant is classified as Likely Pathogenic.

Baylor Genetics
Classification: Likely pathogenic for Bardet-Biedl syndrome 2. Last evaluated: 2024-01-21. Review status: criteria provided, single submitter. Criteria: ACMG Guidelines, 2015. Collection method: clinical testing. Allele origin: unknown.

NM_031885.5(BBS2):c.1163C>G (p.Ser388Ter)

Gene: BBS2 (Bardet-Biedl syndrome 2; minus strand). Cytogenetic location: 16q13.
Variant type: single nucleotide variant.
Coding change: c.1163C>G on transcript NM_031885.5 (MANE Select); coding-DNA position 1163, C replaced by G.
Protein change: p.Ser388Ter; replaces serine 388 with a stop codon.
Molecular consequence: nonsense. On other transcripts: non-coding transcript variant (5).
Genome position (GRCh38, 1-based): chr16:56,501,415, G>C on the plus strand (C>G on the coding strand, the complement: BBS2 is on the minus strand). VCF-style: chr16-56501415-G-C. GRCh37 (hg19) VCF-style: chr16-56535327-G-C.
Other names: c.1163C>G, p.Ser388Ter (NM_001377456.1); c.1163C>G (NM_031885.3); short protein forms S388*.
Identifiers: ClinVar variation 3240885 (VCV003240885.2), dbSNP rs745820842.